The following is an entry in ClinVar:

NM_000297.4(PKD2):c.1116dup (p.Asp373fs)

Gene: PKD2 (polycystin 2, transient receptor potential cation channel; plus strand). Cytogenetic location: 4q22.1.
Variant type: Duplication.
Coding change: c.1116dup on transcript NM_000297.4 (MANE Select); coding-DNA position 1116, one base duplicated (A; older notation c.1116dupA).
Protein change: p.Asp373fs; shifts the reading frame from aspartic acid 373.
Molecular consequence: frameshift variant. On other transcripts: non-coding transcript variant (1).
Genome position (GRCh38, 1-based): chr4:88,043,254, A duplicated; the last of 5 consecutive A bases (chr4:88,043,250-88,043,254); duplicating any one gives the same sequence. VCF-style (leftmost placement, unchanged base first): chr4-88043249-G-GA. GRCh37 (hg19) VCF-style: chr4-88964401-G-GA.
Other names: short protein forms D373fs.
Identifiers: ClinVar variation 1177372 (VCV001177372.3), dbSNP rs2110112037, ClinGen allele CA2499217347.

ClinVar aggregate classification (germline): Likely pathogenic (1 of 4 stars; one submission).

Conditions:
Polycystic kidney disease 2 (PKD2). Also called: POLYCYSTIC KIDNEY DISEASE, ADULT, TYPE II; POLYCYSTIC KIDNEY DISEASE 2 WITH OR WITHOUT POLYCYSTIC LIVER DISEASE; Polycystic Kidney Disease 2, Autosomal Dominant. Identifiers: MedGen C2751306, MONDO:0013131, OMIM 613095.

Submission:

Center for Human Genetics and Genomic Medicine, Uniklinik Rwth Aachen
Classification: Likely pathogenic for Polycystic kidney disease 2. Last evaluated: 2021-07-08. Review status: criteria provided, single submitter. Criteria: ACMG Guidelines, 2015. Collection method: clinical testing. Allele origin: unknown. Inheritance: Autosomal dominant inheritance. Affected: yes. Observed: 1 variant allele, 1 heterozygote.
Comment: The detected variant has not yet been reported in the relevant databases (dbSNP151, gnomAD, ClinVar) or in the literature. It leads to a frame shift and therefore, in all probability, to a loss of function of the corresponding protein. The variant is to be regarded as a "probably pathogenic variant" at this point in time (ACMG-criteria).